The following is an entry in ClinVar:

NM_024408.4(NOTCH2):c.1990A>C (p.Asn664His)

Gene: NOTCH2 (notch receptor 2; minus strand). Cytogenetic location: 1p12.
Variant type: single nucleotide variant.
Coding change: c.1990A>C on transcript NM_024408.4 (MANE Select); coding-DNA position 1990, A replaced by C.
Protein change: p.Asn664His; replaces asparagine 664 with histidine.
Molecular consequence: missense variant.
Genome position (GRCh38, 1-based): chr1:119,959,428, T>G on the plus strand (A>C on the coding strand, the complement: NOTCH2 is on the minus strand). VCF-style: chr1-119959428-T-G. GRCh37 (hg19) VCF-style: chr1-120502051-T-G.
Other names: c.1990A>C, p.Asn664His (NM_001200001.2); short protein forms N664H.
Identifiers: ClinVar variation 3670409 (VCV003670409.2).

ClinVar aggregate classification (germline): Uncertain significance (1 of 4 stars; one submission).

Conditions:
Hajdu-Cheney syndrome (HJCYS). Also called: Acroosteolysis dominant type; ACROOSTEOLYSIS WITH OSTEOPOROSIS AND CHANGES IN SKULL AND MANDIBLE; SERPENTINE FIBULA-POLYCYSTIC KIDNEY SYNDROME. Identifiers: Orphanet 955, MedGen C0917715, MONDO:0007057, OMIM 102500.

gnomAD v4.1: 1 of 1,611,238 alleles (0.000062%); highest among the groups gnomAD compares: Non-Finnish European, 0.000085%; no homozygotes.

Submission:

Labcorp Genetics (formerly Invitae), Labcorp
Classification: Uncertain significance for Hajdu-Cheney syndrome. Last evaluated: 2025-01-13. Review status: criteria provided, single submitter. Criteria: Invitae Variant Classification Sherloc (09022015). Collection method: clinical testing. Allele origin: germline.
Comment: This sequence change replaces asparagine, which is neutral and polar, with histidine, which is basic and polar, at codon 664 of the NOTCH2 protein (p.Asn664His). This variant is not present in population databases (gnomAD no frequency). This variant has not been reported in the literature in individuals affected with NOTCH2-related conditions. Invitae Evidence Modeling of protein sequence and biophysical properties (such as structural, functional, and spatial information, amino acid conservation, physicochemical variation, residue mobility, and thermodynamic stability) indicates that this missense variant is not expected to disrupt NOTCH2 protein function with a negative predictive value of 80%. In summary, the available evidence is currently insufficient to determine the role of this variant in disease. Therefore, it has been classified as a Variant of Uncertain Significance.